The following is an entry in ClinVar:

NM_020719.3(PRR12):c.3188TCT[1] (p.Phe1064del)

Gene: PRR12 (proline rich 12; plus strand). Cytogenetic location: 19q13.33.
Variant type: Microsatellite.
Coding change: c.3188TCT[1] on transcript NM_020719.3 (MANE Select); one copy of the 3-base unit TCT starting at c.3188; the reference has two copies in a row; one copy, 3 bases deleted.
Protein change: p.Phe1064del; deletes phenylalanine 1064.
Molecular consequence: inframe deletion.
Genome position (GRCh38, 1-based): chr19:49,597,526-49,597,528, TCT deleted; deleting any 3 consecutive bases within chr19:49,597,523-49,597,528 gives the same sequence; the position shown is the placement nearest the transcript's 3' end. VCF-style (leftmost placement, unchanged base first): chr19-49597522-ATCT-A. GRCh37 (hg19) VCF-style: chr19-50100779-ATCT-A.
Other names: short protein forms F1064del.
Identifiers: ClinVar variation 2443501 (VCV002443501.1), dbSNP rs2514274650, ClinGen allele CA2576853524.

ClinVar aggregate classification (germline): Uncertain significance (1 of 4 stars; one submission).

Submission:

GeneDx
Classification: Uncertain significance. Last evaluated: 2022-09-09. Review status: criteria provided, single submitter. Criteria: GeneDx Variant Classification Process June 2021. Collection method: clinical testing. Allele origin: germline. Affected: yes.
Comment: Not observed at significant frequency in large population cohorts (gnomAD); In silico analysis supports a deleterious effect on protein structure/function; Has not been previously published as pathogenic or benign to our knowledge